The following is an entry in ClinVar:

ClinVar aggregate classification (germline): Likely pathogenic (1 of 4 stars; one submission).

Conditions:
FRYL-related developmental disorder.

Submission:

3billion
Classification: Likely pathogenic for FRYL-related developmental disorder. Last evaluated: 2025-02-06. Review status: criteria provided, single submitter. Criteria: ACMG Guidelines, 2015. Collection method: clinical testing. Allele origin: germline. Affected: yes.
Comment: The variant is not observed in the gnomAD v4.1.0 dataset. Predicted Consequence/Location: Frameshift: predicted to result in a loss or disruption of normal protein function through nonsense-mediated decay (NMD) or protein truncation. Multiple loss of function variants are reported as likely disease-causing (PMID: 38479391) Therefore, this variant is classified as VUS according to the recommendation of ACMG/AMP guideline.

NM_015030.2(FRYL):c.4362dup (p.Gly1455fs)

Gene: FRYL (FRY like transcription coactivator; minus strand). Cytogenetic location: 4p11.
Variant type: Duplication.
Coding change: c.4362dup on transcript NM_015030.2 (MANE Select); coding-DNA position 4362, one base duplicated (A; older notation c.4362dupA).
Protein change: p.Gly1455fs; shifts the reading frame from glycine 1455.
Molecular consequence: frameshift variant.
Genome position (GRCh38, 1-based): chr4:48,553,288, T duplicated on the plus strand (A on the coding strand, the reverse complement: FRYL is on the minus strand). VCF-style (leftmost placement, unchanged base first): chr4-48553287-C-CT. GRCh37 (hg19) VCF-style: chr4-48555304-C-CT.
Other names: short protein forms G1455fs.
Identifiers: ClinVar variation 4291745 (VCV004291745.1).